The following is an entry in ClinVar:

NM_001365088.1(SLC12A6):c.2163A>C (p.Gly721=)

Gene: SLC12A6 (solute carrier family 12 member 6; minus strand). Cytogenetic location: 15q14.
Variant type: single nucleotide variant.
Coding change: c.2163A>C on transcript NM_001365088.1 (MANE Select); coding-DNA position 2163, A replaced by C.
Protein change: p.Gly721=; no amino-acid change (glycine 721 retained).
Molecular consequence: synonymous variant.
Genome position (GRCh38, 1-based): chr15:34,241,337, T>G on the plus strand (A>C on the coding strand, the complement: SLC12A6 is on the minus strand). VCF-style: chr15-34241337-T-G. GRCh37 (hg19) VCF-style: chr15-34533538-T-G.
Other names: c.1986A>C, p.Gly662= (NM_001042494.2, NM_001042495.2); c.2136A>C, p.Gly712= (NM_001042496.2); c.2118A>C, p.Gly706= (NM_001042497.2); c.2010A>C, p.Gly670= (NM_005135.2); c.2163A>C, p.Gly721= (NM_133647.2).
Identifiers: ClinVar variation 2143322 (VCV002143322.26), dbSNP rs1005396685, ClinGen allele CA268662939.

ClinVar aggregate classification (germline): Conflicting classifications of pathogenicity. Review status: criteria provided, conflicting classifications (1 of 4 stars). 3 submissions from 3 submitters: Uncertain significance (1); Likely benign (2). Last evaluated 2023-08-01.

Allele frequency attached by ClinVar (database versions not stated): TOPMed 0.00001; gnomAD exomes 0.00002.
gnomAD v4.1: 25 of 1,543,334 alleles (0.0016%); highest among the groups gnomAD compares: Non-Finnish European, 0.0022%; no homozygotes.

Submissions (3):

CeGaT Center for Human Genetics Tuebingen
Classification: Likely benign. Last evaluated: 2023-08-01. Review status: criteria provided, single submitter. Criteria: CeGaT Center For Human Genetics Tuebingen Variant Classification Criteria Version 2. Collection method: clinical testing. Allele origin: germline. Affected: yes. Observed: 1 variant allele.
Comment: SLC12A6: BP4, BP7

Labcorp Genetics (formerly Invitae), Labcorp
Classification: Uncertain significance. Last evaluated: 2022-09-13. Review status: criteria provided, single submitter. Criteria: Invitae Variant Classification Sherloc (09022015). Collection method: clinical testing. Allele origin: germline.
Comment: This sequence change affects codon 721 of the SLC12A6 mRNA. It is a 'silent' change, meaning that it does not change the encoded amino acid sequence of the SLC12A6 protein. It affects a nucleotide within the consensus splice site. This variant is present in population databases (no rsID available, gnomAD 0.0009%). This variant has not been reported in the literature in individuals affected with SLC12A6-related conditions. Algorithms developed to predict the effect of sequence changes on RNA splicing suggest that this variant is not likely to affect RNA splicing. In summary, the available evidence is currently insufficient to determine the role of this variant in disease. Therefore, it has been classified as a Variant of Uncertain Significance.

Blueprint Genetics
Classification: Likely benign. Last evaluated: 2020-06-11. Review status: criteria provided, single submitter. Criteria: ACMG Guidelines, 2015. Collection method: clinical testing. Allele origin: germline.